The following is an entry in ClinVar:

ClinVar aggregate classification (germline): Likely benign (0 of 4 stars; one submission).

Conditions:
KMT2D-related disorder. Also called: KMT2D-Related Disorders.

Allele frequency attached by ClinVar (database versions not stated): gnomAD exomes below 0.00001; gnomAD 0.00001; TOPMed 0.00002.
gnomAD v4.1: 6 of 1,612,786 alleles (0.00037%); highest among the groups gnomAD compares: African/African-American, 0.0067%; no homozygotes.

Submission:

PreventionGenetics, part of Exact Sciences
Classification: Likely benign for KMT2D-related condition. Last evaluated: 2021-11-26. Review status: no assertion criteria provided. Collection method: clinical testing. Allele origin: germline.
Comment: This variant is classified as likely benign based on ACMG/AMP sequence variant interpretation guidelines (Richards et al. 2015 PMID: 25741868, with internal and published modifications).

NM_003482.4(KMT2D):c.6321C>T (p.Pro2107=)

Gene: KMT2D (lysine methyltransferase 2D; minus strand). Cytogenetic location: 12q13.12.
Variant type: single nucleotide variant.
Coding change: c.6321C>T on transcript NM_003482.4 (MANE Select); coding-DNA position 6321, C replaced by T.
Protein change: p.Pro2107=; no amino-acid change (proline 2107 retained).
Molecular consequence: synonymous variant.
Genome position (GRCh38, 1-based): chr12:49,041,449, G>A on the plus strand (C>T on the coding strand, the complement: KMT2D is on the minus strand). VCF-style: chr12-49041449-G-A. GRCh37 (hg19) VCF-style: chr12-49435232-G-A.
Identifiers: ClinVar variation 3029752 (VCV003029752.2), dbSNP rs1031804783, ClinGen allele CA236649502.
Genomic context (GRCh38, chr12:49,041,449, plus strand): 5'-GCCAATGAAAATGGTGGGGGCAGCAGCGGGGGGCGGGCTGCCCAGTGCCCCTGGCTGCGG[G>A]GGAATGCGGAGATGTAGGGCCGGTCGGTCAGTCTTACGGGCTATGTCGCCCACCTTGGTC-3'
Protein context (NP_003473.3, residues 2097-2117): TDRPALHLRI[Pro2107=]PQPGALGSPP